The following is an entry in ClinVar:

ClinVar aggregate classification (germline): Uncertain significance (1 of 4 stars; one submission).

Conditions:
Hereditary cancer-predisposing syndrome. Also called: Hereditary neoplastic syndrome; Neoplastic Syndromes, Hereditary; Tumor predisposition; Hereditary Cancer Syndrome. Identifiers: Orphanet 140162, MedGen C0027672, MeSH D009386, MONDO:0015356.

Submission:

Ambry Genetics
Classification: Uncertain significance for Hereditary cancer-predisposing syndrome. Last evaluated: 2025-02-12. Review status: criteria provided, single submitter. Criteria: Ambry Variant Classification Scheme 2023. Collection method: clinical testing. Allele origin: germline.
Comment: The p.E77A variant (also known as c.230A>C), located in coding exon 3 of the XRCC2 gene, results from an A to C substitution at nucleotide position 230. The glutamic acid at codon 77 is replaced by alanine, an amino acid with dissimilar properties. This amino acid position is conserved. In addition, the in silico prediction for this alteration is inconclusive. Based on the available evidence, the clinical significance of this variant remains unclear.

NM_005431.2(XRCC2):c.230A>C (p.Glu77Ala)

Gene: XRCC2 (X-ray repair cross complementing 2; minus strand). Cytogenetic location: 7q36.1.
Variant type: single nucleotide variant.
Coding change: c.230A>C on transcript NM_005431.2 (MANE Select); coding-DNA position 230, A replaced by C.
Protein change: p.Glu77Ala; replaces glutamic acid 77 with alanine.
Molecular consequence: missense variant.
Genome position (GRCh38, 1-based): chr7:152,649,255, T>G on the plus strand (A>C on the coding strand, the complement: XRCC2 is on the minus strand). VCF-style: chr7-152649255-T-G. GRCh37 (hg19) VCF-style: chr7-152346340-T-G.
Other names: short protein forms E77A.
Identifiers: ClinVar variation 3817847 (VCV003817847.1).